The following is an entry in ClinVar:

NM_012330.4(KAT6B):c.2879G>A (p.Arg960Gln)

Gene: KAT6B (lysine acetyltransferase 6B; plus strand). Cytogenetic location: 10q22.2.
Variant type: single nucleotide variant.
Coding change: c.2879G>A on transcript NM_012330.4 (MANE Select); coding-DNA position 2879, G replaced by A.
Protein change: p.Arg960Gln; replaces arginine 960 with glutamine.
Molecular consequence: missense variant.
Genome position (GRCh38, 1-based): chr10:75,021,143, G>A. VCF-style: chr10-75021143-G-A. GRCh37 (hg19) VCF-style: chr10-76780901-G-A.
Other names: c.2330G>A, p.Arg777Gln (NM_001256468.2, NM_001370138.1); c.2003G>A, p.Arg668Gln (NM_001256469.2, NM_001370139.1, NM_001370140.1 and 2 more transcripts); c.1841G>A, p.Arg614Gln (NM_001370132.1); c.1190G>A, p.Arg397Gln (NM_001370133.1); c.794G>A, p.Arg265Gln (NM_001370134.1); c.536G>A, p.Arg179Gln (NM_001370135.1); c.2879G>A, p.Arg960Gln (NM_001370136.1, NM_001370137.1); c.1814G>A, p.Arg605Gln (NM_001370143.1, NM_001370144.1); and 1 more; short protein forms R179Q, R265Q, R397Q, R605Q, R614Q, R668Q, R777Q, R960Q.
Identifiers: ClinVar variation 1017130 (VCV001017130.36), dbSNP rs753695521, ClinGen allele CA5564679.

ClinVar aggregate classification (germline): Conflicting classifications of pathogenicity. Review status: criteria provided, conflicting classifications (1 of 4 stars). 5 submissions from 5 submitters: Uncertain significance (4); Likely benign (1). Last evaluated 2025-11-23.

Conditions:
Genitopatellar syndrome (GTPTS). Also called: ABSENT PATELLAE, SCROTAL HYPOPLASIA, RENAL ANOMALIES, FACIAL DYSMORPHISM, AND MENTAL RETARDATION; Genitopatellar syndrome (GPS). Identifiers: Orphanet 85201, MedGen C1853566, MONDO:0011640, OMIM 606170.
Blepharophimosis - intellectual disability syndrome, SBBYS type (SBBYSS). Also called: Ohdo syndrome, SBBYS variant; Say-Barber-Biesecker Variant of Ohdo Syndrome; Say-Barber-Biesecker-Young-Simpson variant of Ohdo Syndrome; Young Simpson syndrome; Mental retardation unusual facies hypothyroidism; SBBYSS syndrome. Identifiers: Orphanet 3047, MedGen C1863557, MONDO:0011365, OMIM 603736.

Allele frequency attached by ClinVar (database versions not stated): ExAC 0.00001; gnomAD 0.00001; gnomAD exomes 0.00001; TOPMed 0.00001; 1000 Genomes Project 30x 0.00031.
gnomAD v4.1: 12 of 1,613,974 alleles (0.00074%); highest among the groups gnomAD compares: Middle Eastern, 0.016%; no homozygotes.

Submissions (5):

Labcorp Genetics (formerly Invitae), Labcorp
Classification: Likely benign for Genitopatellar syndrome. Last evaluated: 2025-11-23. Review status: criteria provided, single submitter. Criteria: Invitae Variant Classification Sherloc (09022015). Collection method: clinical testing. Allele origin: germline.

GeneDx
Classification: Uncertain significance. Last evaluated: 2024-02-05. Review status: criteria provided, single submitter. Criteria: GeneDx Variant Classification Process June 2021. Collection method: clinical testing. Allele origin: germline. Affected: yes.
Comment: In silico analysis supports that this missense variant has a deleterious effect on protein structure/function; Has not been previously published as pathogenic or benign to our knowledge

CeGaT Center for Human Genetics Tuebingen
Classification: Uncertain significance. Last evaluated: 2022-08-01. Review status: criteria provided, single submitter. Criteria: CeGaT Center For Human Genetics Tuebingen Variant Classification Criteria Version 2. Collection method: clinical testing. Allele origin: germline. Affected: yes. Observed: 1 variant allele.

Fulgent Genetics
Classification: Uncertain significance for Blepharophimosis - intellectual disability syndrome, SBBYS type; Genitopatellar syndrome. Last evaluated: 2022-04-02. Review status: criteria provided, single submitter. Criteria: ACMG Guidelines, 2015. Collection method: clinical testing. Allele origin: unknown.

Breakthrough Genomics
Classification: Uncertain significance. Review status: criteria provided, single submitter. Criteria: ACMG Guidelines, 2015. Collection method: not provided. Allele origin: germline. Inheritance: Autosomal dominant inheritance. Affected: yes.